The following is an entry in ClinVar:

ClinVar aggregate classification (germline): Uncertain significance (1 of 4 stars; one submission).

Conditions:
Retinitis pigmentosa 90. Identifiers: MedGen C5436588, MONDO:0033563, OMIM 619007.

Submission:

3billion
Classification: Uncertain significance for Retinitis pigmentosa 90. Last evaluated: 2025-11-18. Review status: criteria provided, single submitter. Criteria: ACMG Guidelines, 2015. Collection method: clinical testing. Allele origin: germline. Affected: yes.
Comment: The variant is not observed in the gnomAD v4.1.0 dataset. Predicted Consequence/Location: Intron variant In silico tools predict the variant to alter splicing and produce an abnormal transcript [SpliceAI: 0.40 (>=0.2, moderate evidence for spliceogenicity)]. Therefore, this variant is classified as VUS according to the recommendation of ACMG/AMP guideline.

NM_005530.3(IDH3A):c.91-31A>C

Gene: IDH3A (isocitrate dehydrogenase (NAD(+)) 3 catalytic subunit alpha; plus strand). Cytogenetic location: 15q25.1.
Variant type: single nucleotide variant.
Coding change: c.91-31A>C on transcript NM_005530.3 (MANE Select); 31 bases into the intron before coding-DNA position 91, A replaced by C.
Molecular consequence: intron variant.
Genome position (GRCh38, 1-based): chr15:78,157,517, A>C. VCF-style: chr15-78157517-A-C. GRCh37 (hg19) VCF-style: chr15-78449859-A-C.
Identifiers: ClinVar variation 4855625 (VCV004855625.1).
Genomic context (GRCh38, chr15:78,157,517, plus strand): 5'-CATAAAGTGGATTTCTCTGTCAAAATATTCTTTTTTAAGCCTTCAAAAACAAAAATTCTT[A>C]CTGTCTTCTTTGATGATTTCTTATGTTCAGGTTCAGACAGTAACTTTAATTCCAGGAGAT-3'